The following is an entry in ClinVar:

ClinVar aggregate classification (germline): Uncertain significance (1 of 4 stars; one submission).

Conditions:
Glycogen storage disease type III (GSD3). Also called: FORBES DISEASE; Cori disease. Identifiers: Orphanet 366, MedGen C0017922, MONDO:0009291, OMIM 232400.

Allele frequency attached by ClinVar (database versions not stated): gnomAD exomes below 0.00001; gnomAD 0.00001; TOPMed 0.00001.
gnomAD v4.1: 3 of 1,613,924 alleles (0.00019%); highest among the groups gnomAD compares: Non-Finnish European, 0.00025%; no homozygotes.

Submission:

Labcorp Genetics (formerly Invitae), Labcorp
Classification: Uncertain significance for Glycogen storage disease type III. Last evaluated: 2022-04-22. Review status: criteria provided, single submitter. Criteria: Invitae Variant Classification Sherloc (09022015). Collection method: clinical testing. Allele origin: germline.
Comment: This sequence change replaces glutamine, which is neutral and polar, with proline, which is neutral and non-polar, at codon 1332 of the AGL protein (p.Gln1332Pro). This variant is present in population databases (no rsID available, gnomAD 0.0009%). This variant has not been reported in the literature in individuals affected with AGL-related conditions. Algorithms developed to predict the effect of missense changes on protein structure and function are either unavailable or do not agree on the potential impact of this missense change (SIFT: "Deleterious"; PolyPhen-2: "Possibly Damaging"; Align-GVGD: "Class C15"). In summary, the available evidence is currently insufficient to determine the role of this variant in disease. Therefore, it has been classified as a Variant of Uncertain Significance.

NM_000642.3(AGL):c.3995A>C (p.Gln1332Pro)

Gene: AGL (amylo-alpha-1,6-glucosidase and 4-alpha-glucanotransferase; plus strand). Cytogenetic location: 1p21.2.
Variant type: single nucleotide variant.
Coding change: c.3995A>C on transcript NM_000642.3 (MANE Select); coding-DNA position 3995, A replaced by C.
Protein change: p.Gln1332Pro; replaces glutamine 1332 with proline.
Molecular consequence: missense variant.
Genome position (GRCh38, 1-based): chr1:99,913,572, A>C. VCF-style: chr1-99913572-A-C. GRCh37 (hg19) VCF-style: chr1-100379128-A-C.
Other names: c.3995A>C, p.Gln1332Pro (NM_000028.3, NM_000643.3, NM_000644.3 and 1 more transcripts); c.3947A>C, p.Gln1316Pro (NM_000646.3); c.3974A>C, p.Gln1325Pro (NM_001425326.1); c.3794A>C, p.Gln1265Pro (NM_001425327.1); c.3791A>C, p.Gln1264Pro (NM_001425328.1); c.3656A>C, p.Gln1219Pro (NM_001425329.1); c.3617A>C, p.Gln1206Pro (NM_001425332.1); short protein forms Q1316P, Q1332P, Q1206P, Q1219P, Q1264P, Q1265P, Q1325P.
Identifiers: ClinVar variation 2156621 (VCV002156621.1), dbSNP rs1307239855, ClinGen allele CA341339574.